The following is an entry in ClinVar:

NM_177438.3(DICER1):c.391G>A (p.Ala131Thr)

Gene: DICER1 (dicer 1, ribonuclease III; minus strand). Cytogenetic location: 14q32.13.
Variant type: single nucleotide variant.
Coding change: c.391G>A on transcript NM_177438.3 (MANE Select); coding-DNA position 391, G replaced by A.
Protein change: p.Ala131Thr; replaces alanine 131 with threonine.
Molecular consequence: missense variant.
Genome position (GRCh38, 1-based): chr14:95,131,556, C>T on the plus strand (G>A on the coding strand, the complement: DICER1 is on the minus strand). VCF-style: chr14-95131556-C-T. GRCh37 (hg19) VCF-style: chr14-95597893-C-T.
Other names: c.391G>A, p.Ala131Thr (NM_001195573.1, NM_001271282.3, NM_001291628.2 and 1 more transcripts); short protein forms A131T.
Identifiers: ClinVar variation 1043634 (VCV001043634.10), dbSNP rs1893950452, ClinGen allele CA390888999.

ClinVar aggregate classification (germline): Uncertain significance (1 of 4 stars; one submission).

Conditions:
DICER1-related tumor predisposition. Also called: DICER1 syndrome; DICER1-related pleuropulmonary blastoma cancer predisposition syndrome. Identifiers: Orphanet 284343, MedGen C3839822, MONDO:0100216.

Submission:

Labcorp Genetics (formerly Invitae), Labcorp
Classification: Uncertain significance for DICER1-related tumor predisposition. Last evaluated: 2020-12-01. Review status: criteria provided, single submitter. Criteria: Invitae Variant Classification Sherloc (09022015). Collection method: clinical testing. Allele origin: germline.
Comment: In summary, the available evidence is currently insufficient to determine the role of this variant in disease. Therefore, it has been classified as a Variant of Uncertain Significance. Algorithms developed to predict the effect of missense changes on protein structure and function (SIFT, PolyPhen-2, Align-GVGD) all suggest that this variant is likely to be tolerated, but these predictions have not been confirmed by published functional studies and their clinical significance is uncertain. This variant has not been reported in the literature in individuals with DICER1-related conditions. This variant is not present in population databases (ExAC no frequency). This sequence change replaces alanine with threonine at codon 131 of the DICER1 protein (p.Ala131Thr). The alanine residue is weakly conserved and there is a small physicochemical difference between alanine and threonine.